The following is an entry in ClinVar:

NM_001458.5(FLNC):c.3202dup (p.Tyr1068fs)

Gene: FLNC (filamin C; plus strand). Cytogenetic location: 7q32.1.
Variant type: Duplication.
Coding change: c.3202dup on transcript NM_001458.5 (MANE Select); coding-DNA position 3202, one base duplicated (T; older notation c.3202dupT).
Protein change: p.Tyr1068fs; shifts the reading frame from tyrosine 1068.
Molecular consequence: frameshift variant.
Genome position (GRCh38, 1-based): chr7:128,844,667, T duplicated; the last of 2 consecutive T bases (chr7:128,844,666-128,844,667); duplicating either gives the same sequence. VCF-style (leftmost placement, unchanged base first): chr7-128844665-C-CT. GRCh37 (hg19) VCF-style: chr7-128484719-C-CT.
Other names: c.3202dupT (NM_001458.4); c.3202dup, p.Tyr1068fs (NM_001127487.2); short protein forms Y1068fs.
Identifiers: ClinVar variation 3221722 (VCV003221722.1), dbSNP rs2536636926, ClinGen allele CA2825001530.

ClinVar aggregate classification (germline): Pathogenic (1 of 4 stars; one submission).

Conditions:
Cardiovascular phenotype. Identifiers: MedGen CN230736.

Submission:

Ambry Genetics
Classification: Pathogenic for Cardiovascular phenotype. Last evaluated: 2023-10-16. Review status: criteria provided, single submitter. Criteria: Ambry Variant Classification Scheme 2023. Collection method: clinical testing. Allele origin: germline.
Comment: The c.3202dupT pathogenic mutation, located in coding exon 21 of the FLNC gene, results from a duplication of T at nucleotide position 3202, causing a translational frameshift with a predicted alternate stop codon (p.Y1068Lfs*47). This variant is considered to be rare based on population cohorts in the Genome Aggregation Database (gnomAD). This alteration is expected to result in loss of function by premature protein truncation or nonsense-mediated mRNA decay. Based on the supporting evidence, this variant is expected to be causative of dilated cardiomyopathy; however, its clinical significance for hypertrophic/restrictive cardiomyopathy and/or skeletal myopathy is unclear.